The following is an entry in ClinVar:

ClinVar aggregate classification (germline): Uncertain significance (1 of 4 stars; one submission).

Conditions:
Ehlers-Danlos syndrome, type 4 (EDSVASC). Also called: Ehlers-Danlos syndrome vascular type; Ehlers Danlos syndrome, ecchymotic type; Ehlers Danlos syndrome, arterial type; Ehlers Danlos syndrome, Sack-Barabas type; Ehlers-Danlos Syndrome Type IV. Identifiers: Orphanet 286, MedGen C0268338, MONDO:0017314, OMIM 130050.

Allele frequency attached by ClinVar (database versions not stated): gnomAD exomes below 0.00001 and 0.00001; ExAC 0.00001; gnomAD 0.00001.
gnomAD v4.1: 2 of 1,614,082 alleles (0.00012%); highest among the groups gnomAD compares: East Asian, 0.0022%; no homozygotes.

Submission:

Labcorp Genetics (formerly Invitae), Labcorp
Classification: Uncertain significance for Ehlers-Danlos syndrome, type 4. Last evaluated: 2022-02-24. Review status: criteria provided, single submitter. Criteria: Invitae Variant Classification Sherloc (09022015). Collection method: clinical testing. Allele origin: germline.
Comment: This variant is present in population databases (rs749725146, gnomAD 0.01%). This sequence change replaces lysine, which is basic and polar, with arginine, which is basic and polar, at codon 1031 of the COL3A1 protein (p.Lys1031Arg). This variant has not been reported in the literature in individuals affected with COL3A1-related conditions. Algorithms developed to predict the effect of missense changes on protein structure and function are either unavailable or do not agree on the potential impact of this missense change (SIFT: "Deleterious"; PolyPhen-2: "Probably Damaging"; Align-GVGD: "Class C0"). In summary, the available evidence is currently insufficient to determine the role of this variant in disease. Therefore, it has been classified as a Variant of Uncertain Significance. Algorithms developed to predict the effect of sequence changes on RNA splicing suggest that this variant may disrupt the consensus splice site.

NM_000090.4(COL3A1):c.3092A>G (p.Lys1031Arg)

Gene: COL3A1 (collagen type III alpha 1 chain; plus strand). Cytogenetic location: 2q32.2.
Variant type: single nucleotide variant.
Coding change: c.3092A>G on transcript NM_000090.4 (MANE Select); coding-DNA position 3092, A replaced by G.
Protein change: p.Lys1031Arg; replaces lysine 1031 with arginine.
Molecular consequence: missense variant.
Genome position (GRCh38, 1-based): chr2:189,006,258, A>G. VCF-style: chr2-189006258-A-G. GRCh37 (hg19) VCF-style: chr2-189870984-A-G.
Other names: short protein forms K1031R.
Identifiers: ClinVar variation 1417759 (VCV001417759.6), dbSNP rs749725146, ClinGen allele CA075843.